The following is an entry in ClinVar:

NM_001206927.2(DNAH8):c.2489_2490del (p.Lys830fs)

Gene: DNAH8 (dynein axonemal heavy chain 8; plus strand). Cytogenetic location: 6p21.2.
Variant type: Deletion.
Coding change: c.2489_2490del on transcript NM_001206927.2 (MANE Select); coding-DNA positions 2489 to 2490, 2 bases deleted (AG; older notation c.2489_2490delAG).
Protein change: p.Lys830fs; shifts the reading frame from lysine 830.
Molecular consequence: frameshift variant.
Genome position (GRCh38, 1-based): chr6:38,786,858-38,786,859, AG deleted. VCF-style (leftmost placement, unchanged base first): chr6-38786857-AAG-A. GRCh37 (hg19) VCF-style: chr6-38754633-AAG-A.
Other names: c.1838_1839del, p.Lys613fs (NM_001371.4); short protein forms K613fs, K830fs.
Identifiers: ClinVar variation 569150 (VCV000569150.7), dbSNP rs1562782355, ClinGen allele CA891842995.

ClinVar aggregate classification (germline): Pathogenic (1 of 4 stars; one submission).

Conditions:
Primary ciliary dyskinesia. Also called: Ciliary dyskinesia. Identifiers: Orphanet 244, MedGen C0008780, MONDO:0016575, HP:0012265.

Submission:

Labcorp Genetics (formerly Invitae), Labcorp
Classification: Pathogenic for Primary ciliary dyskinesia. Last evaluated: 2024-04-10. Review status: criteria provided, single submitter. Criteria: Invitae Variant Classification Sherloc (09022015). Collection method: clinical testing. Allele origin: germline.
Comment: This sequence change creates a premature translational stop signal (p.Lys830Metfs*22) in the DNAH8 gene. It is expected to result in an absent or disrupted protein product. Loss-of-function variants in DNAH8 are known to be pathogenic (PMID: 24307375, 32619401, 32681648). This variant is not present in population databases (gnomAD no frequency). This variant has not been reported in the literature in individuals affected with DNAH8-related conditions. ClinVar contains an entry for this variant (Variation ID: 569150). For these reasons, this variant has been classified as Pathogenic.

Literature cited by the submitters: PubMed 24307375; PubMed 32619401; PubMed 32681648.